The following is an entry in ClinVar:

ClinVar aggregate classification (germline): Benign/Likely benign. Review status: criteria provided, multiple submitters, no conflicts (2 of 4 stars). 2 submissions from 2 submitters: Benign (1); Likely benign (1). Last evaluated 2025-10-13.

Conditions:
Congenital contractural arachnodactyly (CCA). Also called: BEALS SYNDROME; Beals-Hecht syndrome; Arthrogryposis, distal, type 9. Identifiers: Orphanet 115, MedGen C0220668, MONDO:0007363, OMIM 121050.

Allele frequency attached by ClinVar (database versions not stated): TOPMed 0.00002; gnomAD 0.00003; gnomAD exomes 0.00003 and 0.00007; ExAC 0.00009.
gnomAD v4.1: 45 of 1,583,308 alleles (0.0028%); highest among the groups gnomAD compares: Non-Finnish European, 0.00052%; no homozygotes.

Submissions (2):

Labcorp Genetics (formerly Invitae), Labcorp
Classification: Benign for Congenital contractural arachnodactyly. Last evaluated: 2025-10-13. Review status: criteria provided, single submitter. Criteria: Invitae Variant Classification Sherloc (09022015). Collection method: clinical testing. Allele origin: germline.

Illumina Laboratory Services, Illumina
Classification: Likely benign for Congenital contractural arachnodactyly. Last evaluated: 2018-01-13. Review status: criteria provided, single submitter. Criteria: ICSL Variant Classification Criteria 13 December 2019. Collection method: clinical testing. Allele origin: germline.
Comment: This variant was observed in the ICSL laboratory as part of a predisposition screen in an ostensibly healthy population. It had not been previously curated by ICSL or reported in the Human Gene Mutation Database (HGMD: prior to June 1st, 2018), and was therefore a candidate for classification through an automated scoring system. Utilizing variant allele frequency, disease prevalence and penetrance estimates, and inheritance mode, an automated score was calculated to assess if this variant is too frequent to cause the disease. Based on the score and internal cut-off values, a variant classified as likely benign is not then subjected to further curation. The score for this variant resulted in a classification of likely benign for this disease.

NM_001999.4(FBN2):c.2249-12T>C

Gene: FBN2 (fibrillin 2; minus strand). Cytogenetic location: 5q23.3.
Variant type: single nucleotide variant.
Coding change: c.2249-12T>C on transcript NM_001999.4 (MANE Select); 12 bases into the intron before coding-DNA position 2249, T replaced by C.
Molecular consequence: intron variant.
Genome position (GRCh38, 1-based): chr5:128,366,442, A>G on the plus strand (T>C on the coding strand, the complement: FBN2 is on the minus strand). VCF-style: chr5-128366442-A-G. GRCh37 (hg19) VCF-style: chr5-127702135-A-G.
Identifiers: ClinVar variation 350785 (VCV000350785.9), dbSNP rs776314725, ClinGen allele CA3395599.